The following is an entry in ClinVar:

NM_001184880.2(PCDH19):c.2288+9G>T

Genes: PCDH19 (protocadherin 19; minus strand), LOC125467768 (CDK7 strongly-dependent group 2 enhancer GRCh37_chrX:99657381-99658580; plus strand). Cytogenetic location: Xq22.1.
Variant type: single nucleotide variant.
Coding change: c.2288+9G>T on transcript NM_001184880.2 (MANE Select); 9 bases into the intron after coding-DNA position 2288, G replaced by T.
Molecular consequence: intron variant.
Genome position (GRCh38, 1-based): chrX:100,403,515, C>A on the plus strand (G>T on the coding strand, the complement: PCDH19 is on the minus strand). VCF-style: chrX-100403515-C-A. GRCh37 (hg19) VCF-style: chrX-99658513-C-A.
Other names: c.2148-664G>T (NM_020766.3, NM_001105243.2).
Identifiers: ClinVar variation 383108 (VCV000383108.9), dbSNP rs753792839, ClinGen allele CA10468792.

ClinVar aggregate classification (germline): Likely benign. Review status: criteria provided, multiple submitters, no conflicts (2 of 4 stars). 2 submissions from 2 submitters: Likely benign (2). Last evaluated 2022-11-28.

Conditions:
Developmental and epileptic encephalopathy, 9 (DEE9). Also called: Early infantile epileptic encephalopathy 9; EPILEPSY, FEMALE-RESTRICTED, WITH MENTAL RETARDATION; JUBERG-HELLMAN SYNDROME; PCDH19-Related X-Linked Female-Limited Epilepsy with Mental Retardation. Identifiers: Orphanet 101039, Orphanet 2076, MedGen C1848137, MONDO:0010246, OMIM 300088. Disease mechanism: loss of function.

Allele frequency attached by ClinVar (database versions not stated): ExAC 0.00001; gnomAD exomes 0.00001.
gnomAD v4.1: 14 of 1,206,317 alleles (0.0012%); highest among the groups gnomAD compares: Non-Finnish European, 0.0016%; no homozygotes.

Submissions (2):

Labcorp Genetics (formerly Invitae), Labcorp
Classification: Likely benign for Developmental and epileptic encephalopathy, 9. Last evaluated: 2022-11-28. Review status: criteria provided, single submitter. Criteria: Invitae Variant Classification Sherloc (09022015). Collection method: clinical testing. Allele origin: germline.

GeneDx
Classification: Likely benign. Last evaluated: 2016-02-04. Review status: criteria provided, single submitter. Criteria: GeneDx Variant Classification (06012015). Collection method: clinical testing. Allele origin: germline. Affected: yes.
Comment: This variant is considered likely benign or benign based on one or more of the following criteria: it is a conservative change, it occurs at a poorly conserved position in the protein, it is predicted to be benign by multiple in silico algorithms, and/or has population frequency not consistent with disease.